The following is an entry in ClinVar:

ClinVar aggregate classification (germline): Conflicting classifications of pathogenicity. Review status: criteria provided, conflicting classifications (1 of 4 stars). 2 submissions from 2 submitters: Uncertain significance (1); Likely benign (1). Last evaluated 2024-12-16.

Allele frequency attached by ClinVar (database versions not stated): gnomAD 0.00001 and 0.00005; TOPMed 0.00002; gnomAD exomes 0.00004 and 0.00007; ExAC 0.00012; 1000 Genomes Project 30x 0.00016; 1000 Genomes Project 0.00020.
gnomAD v4.1: 61 of 1,613,490 alleles (0.0038%); highest among the groups gnomAD compares: East Asian, 0.14%; no homozygotes.

Submissions (2):

Labcorp Genetics (formerly Invitae), Labcorp
Classification: Likely benign. Last evaluated: 2024-12-16. Review status: criteria provided, single submitter. Criteria: Invitae Variant Classification Sherloc (09022015). Collection method: clinical testing. Allele origin: germline.

GeneDx
Classification: Uncertain significance. Last evaluated: 2023-11-30. Review status: criteria provided, single submitter. Criteria: GeneDx Variant Classification Process June 2021. Collection method: clinical testing. Allele origin: germline. Affected: yes.
Comment: Identified in association with non-syndromic hearing impairment and deafness in published literature; however, this association was questioned in at least one of the families studied (PMID: 15917166, 23967202); In silico analysis supports that this missense variant does not alter protein structure/function; This variant is associated with the following publications: (PMID: 15917166, 23967202)

NM_001853.4(COL9A3):c.1649C>T (p.Pro550Leu)

Gene: COL9A3 (collagen type IX alpha 3 chain; plus strand). Cytogenetic location: 20q13.33.
Variant type: single nucleotide variant.
Coding change: c.1649C>T on transcript NM_001853.4 (MANE Select); coding-DNA position 1649, C replaced by T.
Protein change: p.Pro550Leu; replaces proline 550 with leucine.
Molecular consequence: missense variant.
Genome position (GRCh38, 1-based): chr20:62,837,128, C>T. VCF-style: chr20-62837128-C-T. GRCh37 (hg19) VCF-style: chr20-61468480-C-T.
Other names: c.1649C>T (NM_001853.3); short protein forms P550L.
Identifiers: ClinVar variation 1576758 (VCV001576758.9), dbSNP rs535230112, ClinGen allele CA9950128.